The following is an entry in ClinVar:

ClinVar aggregate classification (germline): Pathogenic (1 of 4 stars; one submission).

Submission:

Labcorp Genetics (formerly Invitae), Labcorp
Classification: Pathogenic. Last evaluated: 2021-03-18. Review status: criteria provided, single submitter. Criteria: Invitae Variant Classification Sherloc (09022015). Collection method: clinical testing. Allele origin: germline.
Comment: This sequence change creates a premature translational stop signal (p.Pro77Hisfs*9) in the SNX10 gene. It is expected to result in an absent or disrupted protein product. Loss-of-function variants in SNX10 are known to be pathogenic (PMID: 23123320, 23280965, 25811986). This variant is not present in population databases (ExAC no frequency). This variant has not been reported in the literature in individuals with SNX10-related conditions. For these reasons, this variant has been classified as Pathogenic.

Literature cited by the submitters: PubMed 23123320; PubMed 23280965; PubMed 25811986.

NM_013322.3(SNX10):c.230del (p.Pro77fs)

Gene: SNX10 (sorting nexin 10; plus strand). Cytogenetic location: 7p15.2.
Variant type: Deletion.
Coding change: c.230del on transcript NM_013322.3 (MANE Select); coding-DNA position 230, one base deleted (C; older notation c.230delC).
Protein change: p.Pro77fs; shifts the reading frame from proline 77.
Molecular consequence: frameshift variant. On other transcripts: 5 prime UTR variant (1).
Genome position (GRCh38, 1-based): chr7:26,365,064, C deleted; the last of 2 consecutive C bases (chr7:26,365,063-26,365,064); deleting either gives the same sequence. VCF-style (leftmost placement, unchanged base first): chr7-26365062-TC-T. GRCh37 (hg19) VCF-style: chr7-26404682-TC-T.
Other names: c.230del, p.Pro77fs (NM_001199835.1, NM_001318199.3); c.221del, p.Pro74fs (NM_001199837.3); c.-23del (NM_001199838.2); c.308del, p.Pro103fs (NM_001318198.1, NM_001362753.1, NM_001362754.1); short protein forms P103fs, P74fs, P77fs.
Identifiers: ClinVar variation 1448669 (VCV001448669.1), dbSNP rs2128024652, ClinGen allele CA2573142160.
Genomic context (GRCh38, chr7:26,365,062, plus strand): 5'-CCTTGAGTTAATCATTTAAAAACATTGTTTTTTCTTTCTCCTAAGACAACTGCCAGAACT[TC>T]CATCTAAAAACCTGTTTTTCAACATGAACAATCGCCAGCACGTGGATCAGCGTCGCCAGG-3'